The following is an entry in ClinVar:

ClinVar aggregate classification (germline): Likely benign. Review status: criteria provided, multiple submitters, no conflicts (2 of 4 stars). 3 submissions from 3 submitters: Likely benign (3). Last evaluated 2025-12-16.

Conditions:
MYO7A-related disorder. Also called: MYO7A-related disorders.

Allele frequency attached by ClinVar (database versions not stated): gnomAD exomes 0.00001 and 0.00012; TOPMed 0.00008; gnomAD 0.00009 and 0.00011; ExAC 0.00028; 1000 Genomes Project 0.00040; 1000 Genomes Project 30x 0.00047.
gnomAD v4.1: 37 of 1,573,964 alleles (0.0024%); highest among the groups gnomAD compares: East Asian, 0.073%; no homozygotes.

Submissions (3):

Labcorp Genetics (formerly Invitae), Labcorp
Classification: Likely benign. Last evaluated: 2025-12-16. Review status: criteria provided, single submitter. Criteria: Invitae Variant Classification Sherloc (09022015). Collection method: clinical testing. Allele origin: germline.

PreventionGenetics, part of Exact Sciences
Classification: Likely benign for MYO7A-related condition. Last evaluated: 2024-10-26. Review status: criteria provided, single submitter. Criteria: ACMG Guidelines, 2015. Collection method: clinical testing. Allele origin: germline.
Comment: This variant is classified as likely benign based on ACMG/AMP sequence variant interpretation guidelines (Richards et al. 2015 PMID: 25741868, with internal and published modifications).

Blueprint Genetics
Classification: Likely benign. Last evaluated: 2023-05-29. Review status: criteria provided, single submitter. Criteria: ACMG Guidelines, 2015. Collection method: clinical testing. Allele origin: germline.

NM_000260.4(MYO7A):c.6023T>C (p.Met2008Thr)

Gene: MYO7A (myosin VIIA; plus strand). Cytogenetic location: 11q13.5.
Variant type: single nucleotide variant.
Coding change: c.6023T>C on transcript NM_000260.4 (MANE Select); coding-DNA position 6023, T replaced by C.
Protein change: p.Met2008Thr; replaces methionine 2008 with threonine.
Molecular consequence: missense variant.
Genome position (GRCh38, 1-based): chr11:77,208,775, T>C. VCF-style: chr11-77208775-T-C. GRCh37 (hg19) VCF-style: chr11-76919820-T-C.
Other names: c.5876T>C, p.Met1959Thr (NM_001369365.1); c.5909T>C, p.Met1970Thr (NM_001127180.2); c.6023T>C (NM_000260.3); short protein forms M1959T, M1970T, M2008T.
Identifiers: ClinVar variation 1085801 (VCV001085801.9), dbSNP rs531208482, ClinGen allele CA6198902.